The following is an entry in ClinVar:

ClinVar aggregate classification (germline): Benign/Likely benign. Review status: criteria provided, multiple submitters, no conflicts (2 of 4 stars). 21 submissions from 18 submitters: Benign (9); Likely benign (6). 6 of the submissions do not count toward it. Last evaluated 2026-09-01.

Conditions:
TTN-related disorder. Also called: TTN-related disorders; TTN-related condition; TTN-related disease.
Dilated cardiomyopathy 1G (CMD1G). Identifiers: Orphanet 154, MedGen C1858763, MONDO:0011400, OMIM 604145.
Autosomal recessive limb-girdle muscular dystrophy type 2J (LGMDR10). Also called: MUSCULAR DYSTROPHY, LIMB-GIRDLE, AUTOSOMAL RECESSIVE 10; Limb-girdle muscular dystrophy, type 2J. Identifiers: Orphanet 140922, MedGen C1837342, MONDO:0012127, OMIM 608807.
Cardiomyopathy (CMYO). Also called: Cardiomyopathies. Identifiers: Orphanet 167848, MedGen C0878544, MONDO:0004994, HP:0001638. Inheritance: Various modes of inheritance.
Myopathy, myofibrillar, 9, with early respiratory failure (MFM9). Also called: Myopathy, distal, with early respiratory failure, autosomal dominant; Hereditary myopathy with early respiratory failure; MYOPATHY, PROXIMAL, WITH EARLY RESPIRATORY MUSCLE INVOLVEMENT; EDSTROM MYOPATHY. Identifiers: Orphanet 178464, Orphanet 34521, MedGen C1863599, MONDO:0011362, OMIM 603689.
Early-onset myopathy with fatal cardiomyopathy (CMYO5). Also called: CONGENITAL MYOPATHY 5 WITH CARDIOMYOPATHY; Salih Myopathy. Identifiers: Orphanet 289377, MedGen C2673677, MONDO:0012714, OMIM 611705. Disease mechanism: loss of function.
Tibial muscular dystrophy (TMD). Also called: Udd Distal Myopathy – Tibial Muscular Dystrophy; Tibial muscular dystrophy, tardive; UDD MYOPATHY. Identifiers: Orphanet 609, MedGen C1838244, MONDO:0010870, OMIM 600334.

Allele frequency attached by ClinVar (database versions not stated): gnomAD exomes 0.00013 and 0.00029; gnomAD 0.00130 and 0.00125; 1000 Genomes Project 0.00200; ExAC 0.00036; ESP Exome Variant Server 0.00158; TOPMed 0.00167; 1000 Genomes Project 30x 0.00187.
gnomAD v4.1: 391 of 1,613,614 alleles (0.024%); highest among the groups gnomAD compares: African/African-American, 0.47%; 2 homozygotes.

Submissions (21):

CeGaT Center for Human Genetics Tuebingen
Classification: Likely benign. Last evaluated: 2026-09-01. Review status: criteria provided, single submitter. Criteria: CeGaT Center For Human Genetics Tuebingen Variant Classification Criteria Version 2. Collection method: clinical testing. Allele origin: germline. Affected: yes. Observed: 3 variant alleles.
Comment: TTN: BP4, BP7

Labcorp Genetics (formerly Invitae), Labcorp
Classification: Benign for Dilated cardiomyopathy 1G; Autosomal recessive limb-girdle muscular dystrophy type 2J. Last evaluated: 2026-01-31. Review status: criteria provided, single submitter. Criteria: Invitae Variant Classification Sherloc (09022015). Collection method: clinical testing. Allele origin: germline.

Mayo Clinic Laboratories, Mayo Clinic
Classification: Likely benign. Last evaluated: 2025-10-04. Review status: criteria provided, single submitter. Criteria: ACMG Guidelines, 2015. Collection method: clinical testing. Allele origin: germline. Observed: 2 variant alleles.
Comment: BS1, BP4, BP7

Molecular Diagnostic Laboratory for Inherited Cardiovascular Disease, Montreal Heart Institute
Classification: Likely benign. Last evaluated: 2025-04-09. Review status: criteria provided, single submitter. Criteria: ACMG Guidelines, 2015. Collection method: clinical testing. Allele origin: germline. Affected: no.
Comment: BS1;BP6;BP7

Blueprint Genetics
Classification: Likely benign. Last evaluated: 2024-10-03. Review status: criteria provided, single submitter. Criteria: ACMG Guidelines, 2015. Collection method: clinical testing. Allele origin: germline.

ARUP Laboratories, Molecular Genetics and Genomics, ARUP Laboratories
Classification: Benign. Last evaluated: 2024-08-21. Review status: criteria provided, single submitter. Criteria: ARUP Molecular Germline Variant Investigation Process 2024. Collection method: clinical testing. Allele origin: germline.

Genome-Nilou Lab
Classification: Benign for Autosomal recessive limb-girdle muscular dystrophy type 2J. Last evaluated: 2021-09-10. Review status: criteria provided, single submitter. Criteria: ACMG Guidelines, 2015. Collection method: clinical testing. Allele origin: germline. Affected: no.

Genome-Nilou Lab
Classification: Benign for Myopathy, myofibrillar, 9, with early respiratory failure. Last evaluated: 2021-09-10. Review status: criteria provided, single submitter. Criteria: ACMG Guidelines, 2015. Collection method: clinical testing. Allele origin: germline. Affected: no.

Genome-Nilou Lab
Classification: Benign for Early-onset myopathy with fatal cardiomyopathy. Last evaluated: 2021-09-10. Review status: criteria provided, single submitter. Criteria: ACMG Guidelines, 2015. Collection method: clinical testing. Allele origin: germline. Affected: no.

Genome-Nilou Lab
Classification: Benign for Tibial muscular dystrophy. Last evaluated: 2021-09-10. Review status: criteria provided, single submitter. Criteria: ACMG Guidelines, 2015. Collection method: clinical testing. Allele origin: germline. Affected: no.

Women's Health and Genetics/Laboratory Corporation of America, LabCorp
Classification: Likely benign. Last evaluated: 2020-06-13. Review status: criteria provided, single submitter. Criteria: LabCorp Variant Classification Summary - May 2015. Collection method: clinical testing. Allele origin: germline.

CHEO Genetics Diagnostic Laboratory, Children's Hospital of Eastern Ontario
Classification: Benign for Cardiomyopathy. Last evaluated: 2017-06-02. Review status: criteria provided, single submitter. Criteria: ACMG Guidelines, 2015. Collection method: clinical testing. Allele origin: germline. Study: Canadian Open Genetics Repository.

Eurofins Ntd Llc (ga)
Classification: Likely benign. Last evaluated: 2014-09-11. Review status: criteria provided, single submitter. Criteria: EGL Classification Definitions 2015. Collection method: clinical testing. Allele origin: germline. Observed: 2 variant alleles, 2 heterozygotes.

GeneDx
Classification: Benign. Last evaluated: 2014-03-27. Review status: criteria provided, single submitter. Criteria: GeneDx Variant Classification (06012015). Collection method: clinical testing. Allele origin: germline. Affected: yes.
Comment: This variant is considered likely benign or benign based on one or more of the following criteria: it is a conservative change, it occurs at a poorly conserved position in the protein, it is predicted to be benign by multiple in silico algorithms, and/or has population frequency not consistent with disease.

Laboratory for Molecular Medicine, Mass General Brigham Personalized Medicine
Classification: Benign. Last evaluated: 2012-04-24. Review status: criteria provided, single submitter. Criteria: LMM Criteria. Collection method: clinical testing. Allele origin: germline. Observed: 6 variant alleles.
Comment: Ser6821Ser in exon 80 of TTN: This variant is not expected to have clinical sign ificance because it does not alter an amino acid residue and is not located with in the splice consensus sequence. It has been identified in 0.4% (15/3538) of Af rican American chromosomes from a broad population by the NHLBI Exome Sequencing Project.

PreventionGenetics, part of Exact Sciences
Classification: Likely benign for TTN-related condition. Last evaluated: 2020-02-10. Review status: no assertion criteria provided. Collection method: clinical testing. Allele origin: germline. Not counted in ClinVar's aggregate classification.
Comment: This variant is classified as likely benign based on ACMG/AMP sequence variant interpretation guidelines (Richards et al. 2015 PMID: 25741868, with internal and published modifications).

Clinical Genetics DNA and cytogenetics Diagnostics Lab, Erasmus MC, Erasmus Medical Center
Classification: Likely benign. Review status: no assertion criteria provided. Collection method: clinical testing. Allele origin: germline. Affected: yes. Study: VKGL Data-share Consensus. Not counted in ClinVar's aggregate classification.

Clinical Genetics, Academic Medical Center
Classification: Benign. Review status: no assertion criteria provided. Collection method: clinical testing. Allele origin: germline. Affected: yes. Study: VKGL Data-share Consensus. Not counted in ClinVar's aggregate classification.

Genome Diagnostics Laboratory, University Medical Center Utrecht
Classification: Likely benign. Review status: no assertion criteria provided. Collection method: clinical testing. Allele origin: germline. Affected: yes. Study: VKGL Data-share Consensus. Not counted in ClinVar's aggregate classification.

Joint Genome Diagnostic Labs from Nijmegen and Maastricht, Radboudumc and MUMC+
Classification: Benign. Review status: no assertion criteria provided. Collection method: clinical testing. Allele origin: germline. Affected: yes. Study: VKGL Data-share Consensus. Not counted in ClinVar's aggregate classification.

Laboratory of Diagnostic Genome Analysis, Leiden University Medical Center (LUMC)
Classification: Likely benign. Review status: no assertion criteria provided. Collection method: clinical testing. Allele origin: germline. Affected: yes. Study: VKGL Data-share Consensus. Not counted in ClinVar's aggregate classification.

NM_001267550.2(TTN):c.24195C>T (p.Ser8065=)

Gene: TTN (titin; minus strand). Cytogenetic location: 2q31.2.
Variant type: single nucleotide variant.
Coding change: c.24195C>T on transcript NM_001267550.2 (MANE Select); coding-DNA position 24195, C replaced by T.
Protein change: p.Ser8065=; no amino-acid change (serine 8065 retained).
Molecular consequence: synonymous variant. On other transcripts: intron variant (3).
Genome position (GRCh38, 1-based): chr2:178,719,195, G>A on the plus strand (C>T on the coding strand, the complement: TTN is on the minus strand). VCF-style: chr2-178719195-G-A. GRCh37 (hg19) VCF-style: chr2-179583922-G-A.
Other names: p.S7748S:TCC>TCT; p.Ser6821=; c.23244C>T, p.Ser7748= (NM_001256850.1); c.20463C>T, p.Ser6821= (NM_133378.4); c.13282+18887C>T (NM_003319.4); c.13858+18887C>T (NM_133437.4); c.13657+18887C>T (NM_133432.3).
Identifiers: ClinVar variation 46727 (VCV000046727.67), dbSNP rs182425565, ClinGen allele CA282872.
Genomic context (GRCh38, chr2:178,719,195, plus strand): 5'-AAGCAGCAGCTTTATCCTTGCACACTGACCTTGCACAGTCAGGACTGCTGAGCACTCATC[G>A]GAACCAGCTACATTGGCAGCCACACACGTGTATATGCCTGTGTCGGAGGGCTCCAACAAG-3'
Protein context (NP_001254479.2, residues 8055-8075): YTCVAANVAG[Ser8065=]DECSAVLTVQ